The following is an entry in ClinVar:

NM_002048.3(GAS1):c.487G>A (p.Val163Ile)

Gene: GAS1 (growth arrest specific 1; minus strand). Cytogenetic location: 9q21.33.
Variant type: single nucleotide variant.
Coding change: c.487G>A on transcript NM_002048.3 (MANE Select); coding-DNA position 487, G replaced by A.
Protein change: p.Val163Ile; replaces valine 163 with isoleucine.
Molecular consequence: missense variant.
Genome position (GRCh38, 1-based): chr9:86,946,293, C>T on the plus strand (G>A on the coding strand, the complement: GAS1 is on the minus strand). VCF-style: chr9-86946293-C-T. GRCh37 (hg19) VCF-style: chr9-89561208-C-T.
Other names: short protein forms V163I.
Identifiers: ClinVar variation 1477406 (VCV001477406.6), dbSNP rs2118607270, ClinGen allele CA374016064.

ClinVar aggregate classification (germline): Uncertain significance (1 of 4 stars; one submission).

Submission:

Labcorp Genetics (formerly Invitae), Labcorp
Classification: Uncertain significance. Last evaluated: 2024-09-16. Review status: criteria provided, single submitter. Criteria: Invitae Variant Classification Sherloc (09022015). Collection method: clinical testing. Allele origin: germline.
Comment: This sequence change replaces valine, which is neutral and non-polar, with isoleucine, which is neutral and non-polar, at codon 163 of the GAS1 protein (p.Val163Ile). This variant is not present in population databases (gnomAD no frequency). This variant has not been reported in the literature in individuals affected with GAS1-related conditions. ClinVar contains an entry for this variant (Variation ID: 1477406). An algorithm developed to predict the effect of missense changes on protein structure and function (PolyPhen-2) suggests that this variant is likely to be tolerated. In summary, the available evidence is currently insufficient to determine the role of this variant in disease. Therefore, it has been classified as a Variant of Uncertain Significance.